The following is an entry in ClinVar:

NM_001142800.2(EYS):c.1234del (p.Cys412fs)

Gene: EYS (EGF-like photoreceptor maintenance factor; minus strand). Cytogenetic location: 6q12.
Variant type: Deletion.
Coding change: c.1234del on transcript NM_001142800.2 (MANE Select); coding-DNA position 1234, one base deleted (T; older notation c.1234delT).
Protein change: p.Cys412fs; shifts the reading frame from cysteine 412.
Molecular consequence: frameshift variant.
Genome position (GRCh38, 1-based): chr6:65,384,451, A deleted on the plus strand (T on the coding strand, the reverse complement: EYS is on the minus strand). VCF-style (leftmost placement, unchanged base first): chr6-65384450-CA-C. GRCh37 (hg19) VCF-style: chr6-66094343-CA-C.
Other names: c.1234del, p.Cys412fs (NM_001142801.2, NM_001292009.2, NM_198283.2); short protein forms C412fs.
Identifiers: ClinVar variation 850336 (VCV000850336.11), dbSNP rs1765726534, ClinGen allele CA916082874.

ClinVar aggregate classification (germline): Pathogenic/Likely pathogenic. Review status: criteria provided, multiple submitters, no conflicts (2 of 4 stars). 3 submissions from 3 submitters: Pathogenic (1); Likely pathogenic (2). Last evaluated 2025-08-04.

Conditions:
EYS-related disorder. Also called: EYS-related condition.
Retinitis pigmentosa 25 (RP25). Identifiers: Orphanet 791, MedGen C1864446, MONDO:0011272, OMIM 602772.

Submissions (3):

Labcorp Genetics (formerly Invitae), Labcorp
Classification: Pathogenic. Last evaluated: 2025-08-04. Review status: criteria provided, single submitter. Criteria: Invitae Variant Classification Sherloc (09022015). Collection method: clinical testing. Allele origin: germline.
Comment: This sequence change creates a premature translational stop signal (p.Cys412Valfs*9) in the EYS gene. It is expected to result in an absent or disrupted protein product. Loss-of-function variants in EYS are known to be pathogenic (PMID: 18836446, 20333770). This variant is not present in population databases (gnomAD no frequency). This variant has not been reported in the literature in individuals affected with EYS-related conditions. ClinVar contains an entry for this variant (Variation ID: 850336). For these reasons, this variant has been classified as Pathogenic.

Baylor Genetics
Classification: Likely pathogenic for Retinitis pigmentosa 25. Last evaluated: 2023-05-31. Review status: criteria provided, single submitter. Criteria: ACMG Guidelines, 2015. Collection method: clinical testing. Allele origin: unknown.

Blueprint Genetics
Classification: Likely pathogenic for EYS-related disorders. Last evaluated: 2018-04-13. Review status: criteria provided, single submitter. Criteria: ACMG Guidelines, 2015. Collection method: clinical testing. Allele origin: germline. Affected: yes. Observed: 1 variant allele.

Literature cited by the submitters: PubMed 18836446 (cited by Labcorp Genetics (formerly Invitae), Labcorp); PubMed 20333770 (cited by Labcorp Genetics (formerly Invitae), Labcorp).